The following is an entry in ClinVar:

NM_004260.4(RECQL4):c.3337G>A (p.Gly1113Arg)

Gene: RECQL4 (RecQ like helicase 4; minus strand). Cytogenetic location: 8q24.3.
Variant type: single nucleotide variant.
Coding change: c.3337G>A on transcript NM_004260.4 (MANE Select); coding-DNA position 3337, G replaced by A.
Protein change: p.Gly1113Arg; replaces glycine 1113 with arginine.
Molecular consequence: missense variant.
Genome position (GRCh38, 1-based): chr8:144,511,967, C>T on the plus strand (G>A on the coding strand, the complement: RECQL4 is on the minus strand). VCF-style: chr8-144511967-C-T. GRCh37 (hg19) VCF-style: chr8-145737350-C-T.
Other names: short protein forms G1113R.
Identifiers: ClinVar variation 1002792 (VCV001002792.5), dbSNP rs35101495, ClinGen allele CA372668505.

ClinVar aggregate classification (germline): Uncertain significance (1 of 4 stars; one submission).

Conditions:
Baller-Gerold syndrome (BGS). Also called: CRANIOSYNOSTOSIS WITH RADIAL DEFECTS. Identifiers: Orphanet 1225, MedGen C0265308, MONDO:0009039, OMIM 218600.

gnomAD v4.1: 13 of 1,611,598 alleles (0.00081%); highest among the groups gnomAD compares: Non-Finnish European, 0.001%; no homozygotes.

Submission:

Labcorp Genetics (formerly Invitae), Labcorp
Classification: Uncertain significance for Baller-Gerold syndrome. Last evaluated: 2020-10-05. Review status: criteria provided, single submitter. Criteria: Invitae Variant Classification Sherloc (09022015). Collection method: clinical testing. Allele origin: germline.
Comment: In summary, the available evidence is currently insufficient to determine the role of this variant in disease. Therefore, it has been classified as a Variant of Uncertain Significance. Experimental studies and prediction algorithms are not available or were not evaluated, and the functional significance of this variant is currently unknown. This variant has not been reported in the literature in individuals with RECQL4-related conditions. This variant is not present in population databases (ExAC no frequency). This sequence change replaces glycine with arginine at codon 1113 of the RECQL4 protein (p.Gly1113Arg). The glycine residue is weakly conserved and there is a moderate physicochemical difference between glycine and arginine.